The following is an entry in ClinVar:

ClinVar aggregate classification (germline): Uncertain significance (1 of 4 stars; one submission).

Conditions:
Classic homocystinuria. Also called: Homocystinuria due to Cystathionine Beta-Synthase Deficiency; Homocystinuria due to CBS deficiency; Cystathionine beta-synthase deficiency; CBS deficiency; HOMOCYSTINURIA WITH OR WITHOUT RESPONSE TO PYRIDOXINE. Identifiers: Orphanet 394, MedGen C0751202, MONDO:0009352, OMIM 236200.

Submission:

Myriad Genetics, Inc.
Classification: Uncertain significance for Classic homocystinuria. Last evaluated: 2025-08-05. Review status: criteria provided, single submitter. Criteria: Myriad Autosomal Dominant, Autosomal Recessive and X-Linked Classification Criteria (2023). Collection method: clinical testing. Allele origin: unknown.
Comment: NM_000071.2(CBS):c.925_927delGAC(D309del) is an in-frame deletion classified as a variant of uncertain significance in the context of homocystinuria, CBS-related. D309del has not been observed in cases with relevant disease. Relevant functional assessments of this variant are not available in the literature. D309del has not been observed in referenced population frequency databases. In summary, there is insufficient evidence to classify NM_000071.2(CBS):c.925_927delGAC(D309del) as pathogenic or benign. Please note: this variant was assessed in the context of healthy population screening.

NM_000071.3(CBS):c.925_927del (p.Asp309del)

Gene: CBS (cystathionine beta-synthase; minus strand). Cytogenetic location: 21q22.3.
Variant type: Deletion.
Coding change: c.925_927del on transcript NM_000071.3 (MANE Select); coding-DNA positions 925 to 927, 3 bases deleted (GAC; older notation c.925_927delGAC).
Protein change: p.Asp309del; deletes aspartic acid 309.
Molecular consequence: inframe deletion.
Genome position (GRCh38, 1-based): chr21:43,062,980-43,062,982, GTC deleted on the plus strand (GAC on the coding strand, the reverse complement: CBS is on the minus strand); deleting any 3 consecutive bases within chr21:43,062,980-43,062,984 gives the same sequence; the c. name uses the placement nearest the transcript's 3' end. VCF-style (leftmost placement, unchanged base first): chr21-43062979-AGTC-A. GRCh37 (hg19) VCF-style: chr21-44483089-AGTC-A.
Other names: c.925_927del, p.Asp309del (NM_001178008.3, NM_001178009.3, NM_001320298.2); c.610_612del, p.Asp204del (NM_001321072.1); short protein forms D204del, D309del.
Identifiers: ClinVar variation 5004938 (VCV005004938.1).